The following is an entry in ClinVar:

ClinVar aggregate classification (germline): Uncertain significance. Review status: criteria provided, multiple submitters, no conflicts (2 of 4 stars). 3 submissions from 3 submitters: Uncertain significance (3). Last evaluated 2024-04-25.

Conditions:
Cystic fibrosis (CF). Also called: MUCOVISCIDOSIS. Identifiers: Orphanet 586, MedGen C0010674, MONDO:0009061, OMIM 219700. Disease mechanism: loss of function.

Allele frequency attached by ClinVar (database versions not stated): ExAC 0.00001; gnomAD exomes 0.00001.
gnomAD v4.1: 15 of 1,613,804 alleles (0.00093%); highest among the groups gnomAD compares: Non-Finnish European, 0.0013%; no homozygotes.

Submissions (3):

Ambry Genetics
Classification: Uncertain significance for Cystic fibrosis. Last evaluated: 2024-04-25. Review status: criteria provided, single submitter. Criteria: Ambry Variant Classification Scheme 2023. Collection method: clinical testing. Allele origin: germline.
Comment: The p.T135S variant (also known as c.403A>T), located in coding exon 4 of the CFTR gene, results from an A to T substitution at nucleotide position 403. The threonine at codon 135 is replaced by serine, an amino acid with similar properties. This amino acid position is not well conserved in available vertebrate species. In addition, the in silico prediction for this alteration is inconclusive. Based on the available evidence, the clinical significance of this variant remains unclear.

Labcorp Genetics (formerly Invitae), Labcorp
Classification: Uncertain significance for Cystic fibrosis. Last evaluated: 2021-10-14. Review status: criteria provided, single submitter. Criteria: Invitae Variant Classification Sherloc (09022015). Collection method: clinical testing. Allele origin: germline.
Comment: This sequence change replaces threonine with serine at codon 135 of the CFTR protein (p.Thr135Ser). The threonine residue is weakly conserved and there is a small physicochemical difference between threonine and serine. This variant is present in population databases (rs771512600, ExAC 0.002%). This variant has not been reported in the literature in individuals affected with CFTR-related conditions. Algorithms developed to predict the effect of missense changes on protein structure and function (SIFT, PolyPhen-2, Align-GVGD) all suggest that this variant is likely to be tolerated. Algorithms developed to predict the effect of sequence changes on RNA splicing suggest that this variant may create or strengthen a splice site. In summary, the available evidence is currently insufficient to determine the role of this variant in disease. Therefore, it has been classified as a Variant of Uncertain Significance.

MGZ Medical Genetics Center
Classification: Uncertain significance for Cystic fibrosis. Last evaluated: 2021-06-25. Review status: criteria provided, single submitter. Criteria: ACMG Guidelines, 2015. Collection method: clinical testing. Allele origin: germline. Affected: yes. Observed: 1 variant allele.
Comment: ACMG criteria applied: PM2_SUP

NM_000492.4(CFTR):c.403A>T (p.Thr135Ser)

Gene: CFTR (CF transmembrane conductance regulator; plus strand). Cytogenetic location: 7q31.2.
Variant type: single nucleotide variant.
Coding change: c.403A>T on transcript NM_000492.4 (MANE Select); coding-DNA position 403, A replaced by T.
Protein change: p.Thr135Ser; replaces threonine 135 with serine.
Molecular consequence: missense variant.
Genome position (GRCh38, 1-based): chr7:117,531,028, A>T. VCF-style: chr7-117531028-A-T. GRCh37 (hg19) VCF-style: chr7-117171082-A-T.
Other names: c.403A>T (NM_000492.3); short protein forms T135S.
Identifiers: ClinVar variation 1415267 (VCV001415267.8), dbSNP rs771512600, ClinGen allele CA4450717.